The following is an entry in ClinVar:

NM_022455.5(NSD1):c.7765C>T (p.Leu2589=)

Gene: NSD1 (nuclear receptor binding SET domain protein 1; plus strand). Cytogenetic location: 5q35.3.
Variant type: single nucleotide variant.
Coding change: c.7765C>T on transcript NM_022455.5 (MANE Select); coding-DNA position 7765, C replaced by T.
Protein change: p.Leu2589=; no amino-acid change (leucine 2589 retained).
Molecular consequence: synonymous variant.
Genome position (GRCh38, 1-based): chr5:177,295,133, C>T. VCF-style: chr5-177295133-C-T. GRCh37 (hg19) VCF-style: chr5-176722134-C-T.
Other names: c.6892C>T, p.Leu2298= (NM_001365684.2, NM_001409308.1, NM_172349.5); c.7765C>T, p.Leu2589= (NM_001409301.1, NM_001409302.1, NM_001409303.1); c.7345C>T, p.Leu2449= (NM_001409304.1); c.7012C>T, p.Leu2338= (NM_001409305.1); c.7003C>T, p.Leu2335= (NM_001409306.1, NM_001409307.1); c.6643C>T, p.Leu2215= (NM_001409309.1).
Identifiers: ClinVar variation 2656113 (VCV002656113.24), dbSNP rs754143474, ClinGen allele CA3578178.

ClinVar aggregate classification (germline): Likely benign (1 of 4 stars; one submission).

Allele frequency attached by ClinVar (database versions not stated): gnomAD exomes below 0.00001; ExAC 0.00001.
gnomAD v4.1: 1 of 1,613,808 alleles (0.000062%); highest among the groups gnomAD compares: Non-Finnish European, 0.000085%; no homozygotes.

Submission:

CeGaT Center for Human Genetics Tuebingen
Classification: Likely benign. Last evaluated: 2022-09-01. Review status: criteria provided, single submitter. Criteria: CeGaT Center For Human Genetics Tuebingen Variant Classification Criteria Version 2. Collection method: clinical testing. Allele origin: germline. Affected: yes. Observed: 1 variant allele.
Comment: NSD1: BP4, BP7